The following is an entry in ClinVar:

ClinVar aggregate classification (germline): Uncertain significance (1 of 4 stars; one submission).

Allele frequency attached by ClinVar (database versions not stated): gnomAD exomes 0.00002; TOPMed 0.00002; gnomAD 0.00003; ExAC 0.00006.
gnomAD v4.1: 35 of 1,614,124 alleles (0.0022%); highest among the groups gnomAD compares: Admixed American, 0.01%; no homozygotes.

Submission:

Labcorp Genetics (formerly Invitae), Labcorp
Classification: Uncertain significance. Last evaluated: 2022-05-06. Review status: criteria provided, single submitter. Criteria: Invitae Variant Classification Sherloc (09022015). Collection method: clinical testing. Allele origin: germline.
Comment: This sequence change replaces leucine, which is neutral and non-polar, with proline, which is neutral and non-polar, at codon 205 of the RGS9 protein (p.Leu205Pro). This variant is present in population databases (rs778288380, gnomAD 0.03%). This variant has not been reported in the literature in individuals affected with RGS9-related conditions. Algorithms developed to predict the effect of missense changes on protein structure and function are either unavailable or do not agree on the potential impact of this missense change (SIFT: "Deleterious"; PolyPhen-2: "Benign"; Align-GVGD: "Class C0"). In summary, the available evidence is currently insufficient to determine the role of this variant in disease. Therefore, it has been classified as a Variant of Uncertain Significance.

NM_003835.4(RGS9):c.614T>C (p.Leu205Pro)

Gene: RGS9 (regulator of G protein signaling 9; plus strand). Cytogenetic location: 17q24.1.
Variant type: single nucleotide variant.
Coding change: c.614T>C on transcript NM_003835.4 (MANE Select); coding-DNA position 614, T replaced by C.
Protein change: p.Leu205Pro; replaces leucine 205 with proline.
Molecular consequence: missense variant.
Genome position (GRCh38, 1-based): chr17:65,177,763, T>C. VCF-style: chr17-65177763-T-C. GRCh37 (hg19) VCF-style: chr17-63173881-T-C.
Other names: c.614T>C, p.Leu205Pro (NM_001081955.3, NM_001165933.2); short protein forms L205P.
Identifiers: ClinVar variation 1920955 (VCV001920955.3), dbSNP rs778288380, ClinGen allele CA8717745.